The following is an entry in ClinVar:

ClinVar aggregate classification (germline): Uncertain significance. Review status: criteria provided, multiple submitters, no conflicts (2 of 4 stars). 2 submissions from 2 submitters: Uncertain significance (2). Last evaluated 2025-11-12.

Conditions:
Inborn genetic diseases. Identifiers: MedGen C0950123, MeSH D030342.

Allele frequency attached by ClinVar (database versions not stated): gnomAD 0.00003; gnomAD exomes 0.00005; TOPMed 0.00007.
gnomAD v4.1: 80 of 1,614,056 alleles (0.005%); highest among the groups gnomAD compares: Non-Finnish European, 0.0062%; no homozygotes.

Submissions (2):

Labcorp Genetics (formerly Invitae), Labcorp
Classification: Uncertain significance. Last evaluated: 2025-11-12. Review status: criteria provided, single submitter. Criteria: Invitae Variant Classification Sherloc (09022015). Collection method: clinical testing. Allele origin: germline.
Comment: This sequence change replaces threonine, which is neutral and polar, with asparagine, which is neutral and polar, at codon 702 of the CSF2RB protein (p.Thr702Asn). This variant is present in population databases (rs745479552, gnomAD 0.004%). This variant has not been reported in the literature in individuals affected with CSF2RB-related conditions. ClinVar contains an entry for this variant (Variation ID: 1941017). Invitae Evidence Modeling of protein sequence and biophysical properties (such as structural, functional, and spatial information, amino acid conservation, physicochemical variation, residue mobility, and thermodynamic stability) indicates that this missense variant is not expected to disrupt CSF2RB protein function with a negative predictive value of 80%. In summary, the available evidence is currently insufficient to determine the role of this variant in disease. Therefore, it has been classified as a Variant of Uncertain Significance.

Ambry Genetics
Classification: Uncertain significance for Inborn genetic diseases. Last evaluated: 2024-06-17. Review status: criteria provided, single submitter. Criteria: Ambry Variant Classification Scheme 2023. Collection method: clinical testing. Allele origin: germline.

NM_000395.3(CSF2RB):c.2105C>A (p.Thr702Asn)

Gene: CSF2RB (colony stimulating factor 2 receptor subunit beta; plus strand). Cytogenetic location: 22q12.3.
Variant type: single nucleotide variant.
Coding change: c.2105C>A on transcript NM_000395.3 (MANE Select); coding-DNA position 2105, C replaced by A.
Protein change: p.Thr702Asn; replaces threonine 702 with asparagine.
Molecular consequence: missense variant.
Genome position (GRCh38, 1-based): chr22:36,937,913, C>A. VCF-style: chr22-36937913-C-A. GRCh37 (hg19) VCF-style: chr22-37333955-C-A.
Other names: c.2105C>A (NM_000395.2); c.2123C>A, p.Thr708Asn (NM_001410827.1); short protein forms T708N, T702N.
Identifiers: ClinVar variation 1941017 (VCV001941017.6), dbSNP rs745479552, ClinGen allele CA324004826.